The following is an entry in ClinVar:

NM_001199138.2(NLRC4):c.512C>T (p.Ser171Phe)

Gene: NLRC4 (NLR family CARD domain containing 4; minus strand). Cytogenetic location: 2p22.3.
Variant type: single nucleotide variant.
Coding change: c.512C>T on transcript NM_001199138.2 (MANE Select); coding-DNA position 512, C replaced by T.
Protein change: p.Ser171Phe; replaces serine 171 with phenylalanine.
Molecular consequence: missense variant. On other transcripts: intron variant (1).
Genome position (GRCh38, 1-based): chr2:32,251,352, G>A on the plus strand (C>T on the coding strand, the complement: NLRC4 is on the minus strand). VCF-style: chr2-32251352-G-A. GRCh37 (hg19) VCF-style: chr2-32476421-G-A.
Other names: c.512C>T, p.Ser171Phe (NM_001199139.2, NM_021209.5); c.262+1067C>T (NM_001302504.1); short protein forms S171F.
Identifiers: ClinVar variation 374310 (VCV000374310.1), dbSNP rs1057518687, ClinGen allele CA16043656.

ClinVar aggregate classification (germline): Likely pathogenic (0 of 4 stars; one submission).

Conditions:
Periodic fever-infantile enterocolitis-autoinflammatory syndrome. Also called: Autoinflammation with infantile enterocolitis. Identifiers: Orphanet 436166, MedGen C4015067, MONDO:0014472, OMIM 616050.

Submission:

Baylor Genetics
Classification: Likely pathogenic for Periodic fever-infantile enterocolitis-autoinflammatory syndrome. Last evaluated: 2016-05-01. Review status: no assertion criteria provided. Collection method: clinical testing. Allele origin: somatic. Inheritance: Somatic mutation. Affected: yes.